The following is an entry in ClinVar:

NM_020911.2(PLXNA4):c.1743G>A (p.Thr581=)

Gene: PLXNA4 (plexin A4; minus strand). Cytogenetic location: 7q32.3.
Variant type: single nucleotide variant.
Coding change: c.1743G>A on transcript NM_020911.2 (MANE Select); coding-DNA position 1743, G replaced by A.
Protein change: p.Thr581=; no amino-acid change (threonine 581 retained).
Molecular consequence: synonymous variant.
Genome position (GRCh38, 1-based): chr7:132,227,590, C>T on the plus strand (G>A on the coding strand, the complement: PLXNA4 is on the minus strand). VCF-style: chr7-132227590-C-T. GRCh37 (hg19) VCF-style: chr7-131912349-C-T.
Other names: c.1743G>A, p.Thr581= (NM_001393897.1).
Identifiers: ClinVar variation 3351369 (VCV003351369.1).
Genomic context (GRCh38, chr7:132,227,590, plus strand): 5'-CATCTCTGACAGGTCCTCAAAGGTGCAGTTGACGCCAGCTGACAGCTCCGGGACATTGTA[C>T]GTCTCCAGGACCAGCTGTGAACAGCCAGGCGGGGGGAGAGAAGGAGGAGGGTGAAATGGG-3'
Protein context (NP_065962.1, residues 571-591): SQYNVLLVLE[Thr581=]YNVPELSAGV

ClinVar aggregate classification (germline): Likely benign (0 of 4 stars; one submission).

Conditions:
PLXNA4-related disorder. Also called: PLXNA4-related condition.

gnomAD v4.1: 19 of 1,613,874 alleles (0.0012%); highest among the groups gnomAD compares: Admixed American, 0.0033%; no homozygotes.

Submission:

PreventionGenetics, part of Exact Sciences
Classification: Likely benign for PLXNA4-related condition. Last evaluated: 2024-01-30. Review status: no assertion criteria provided. Collection method: clinical testing. Allele origin: germline.
Comment: This variant is classified as likely benign based on ACMG/AMP sequence variant interpretation guidelines (Richards et al. 2015 PMID: 25741868, with internal and published modifications).